The following is an entry in ClinVar:

NM_015978.3(TNNI3K):c.2413A>C (p.Thr805Pro)

Genes: FPGT-TNNI3K (FPGT-TNNI3K readthrough; plus strand), TNNI3K (TNNI3 interacting kinase; plus strand). Cytogenetic location: 1p31.1.
Variant type: single nucleotide variant.
Coding change: c.2413A>C on transcript NM_015978.3 (MANE Select); coding-DNA position 2413, A replaced by C.
Protein change: p.Thr805Pro; replaces threonine 805 with proline.
Molecular consequence: missense variant.
Genome position (GRCh38, 1-based): chr1:74,540,295, A>C. VCF-style: chr1-74540295-A-C. GRCh37 (hg19) VCF-style: chr1-75005979-A-C.
Other names: c.2716A>C, p.Thr906Pro (NM_001112808.3); short protein forms T906P, T805P.
Identifiers: ClinVar variation 3684202 (VCV003684202.2).

ClinVar aggregate classification (germline): Uncertain significance (1 of 4 stars; one submission).

gnomAD v4.1: 1 of 1,611,884 alleles (0.000062%); highest among the groups gnomAD compares: Non-Finnish European, 0.000085%; no homozygotes.

Submission:

Labcorp Genetics (formerly Invitae), Labcorp
Classification: Uncertain significance. Last evaluated: 2024-05-14. Review status: criteria provided, single submitter. Criteria: Invitae Variant Classification Sherloc (09022015). Collection method: clinical testing. Allele origin: germline.
Comment: This sequence change replaces threonine, which is neutral and polar, with proline, which is neutral and non-polar, at codon 805 of the TNNI3K protein (p.Thr805Pro). This variant is not present in population databases (gnomAD no frequency). This variant has not been reported in the literature in individuals affected with TNNI3K-related conditions. Algorithms developed to predict the effect of missense changes on protein structure and function output the following: SIFT: "Not Available"; PolyPhen-2: "Benign"; Align-GVGD: "Not Available". The proline amino acid residue is found in multiple mammalian species, which suggests that this missense change does not adversely affect protein function. In summary, the available evidence is currently insufficient to determine the role of this variant in disease. Therefore, it has been classified as a Variant of Uncertain Significance.